The following is an entry in ClinVar:

NM_014244.5(ADAMTS2):c.1619C>T (p.Ala540Val)

Gene: ADAMTS2 (ADAM metallopeptidase with thrombospondin type 1 motif 2; minus strand). Cytogenetic location: 5q35.3.
Variant type: single nucleotide variant.
Coding change: c.1619C>T on transcript NM_014244.5 (MANE Select); coding-DNA position 1619, C replaced by T.
Protein change: p.Ala540Val; replaces alanine 540 with valine.
Molecular consequence: missense variant.
Genome position (GRCh38, 1-based): chr5:179,152,152, G>A on the plus strand (C>T on the coding strand, the complement: ADAMTS2 is on the minus strand). VCF-style: chr5-179152152-G-A. GRCh37 (hg19) VCF-style: chr5-178579153-G-A.
Other names: p.Ala540Val; c.1619C>T, p.Ala540Val (NM_021599.4); c.1619C>T (NM_014244.4); short protein forms A540V.
Identifiers: ClinVar variation 2080932 (VCV002080932.3), dbSNP rs537065167, ClinGen allele CA3595847.

ClinVar aggregate classification (germline): Uncertain significance. Review status: criteria provided, multiple submitters, no conflicts (2 of 4 stars). 3 submissions from 3 submitters: Uncertain significance (3). Last evaluated 2025-10-06.

Conditions:
Inborn genetic diseases. Identifiers: MedGen C0950123, MeSH D030342.
Ehlers-Danlos syndrome, dermatosparaxis type. Also called: Ehlers-Danlos syndrome, type VII, autosomal recessive; Dermatosparaxis; EDS VIIC. Identifiers: Orphanet 1901, MedGen C2700425, MONDO:0009161, OMIM 225410.

Allele frequency attached by ClinVar (database versions not stated): ExAC 0.00002; gnomAD 0.00002; TOPMed 0.00003; 1000 Genomes Project 30x 0.00016; 1000 Genomes Project 0.00020.
gnomAD v4.1: 9 of 1,613,626 alleles (0.00056%); highest among the groups gnomAD compares: South Asian, 0.0066%; no homozygotes.

Submissions (3):

Ambry Genetics
Classification: Uncertain significance for Inborn genetic diseases. Last evaluated: 2025-10-06. Review status: criteria provided, single submitter. Criteria: Ambry Variant Classification Scheme 2023. Collection method: clinical testing. Allele origin: germline.

Mayo Clinic Laboratories, Mayo Clinic
Classification: Uncertain significance. Last evaluated: 2023-11-22. Review status: criteria provided, single submitter. Criteria: ACMG Guidelines, 2015. Collection method: clinical testing. Allele origin: germline. Observed: 1 variant allele.
Comment: BP1

Labcorp Genetics (formerly Invitae), Labcorp
Classification: Uncertain significance for Ehlers-Danlos syndrome, dermatosparaxis type. Last evaluated: 2022-02-20. Review status: criteria provided, single submitter. Criteria: Invitae Variant Classification Sherloc (09022015). Collection method: clinical testing. Allele origin: germline.
Comment: This sequence change replaces alanine, which is neutral and non-polar, with valine, which is neutral and non-polar, at codon 540 of the ADAMTS2 protein (p.Ala540Val). This variant is present in population databases (rs537065167, gnomAD 0.01%). This variant has not been reported in the literature in individuals affected with ADAMTS2-related conditions. Algorithms developed to predict the effect of missense changes on protein structure and function (SIFT, PolyPhen-2, Align-GVGD) all suggest that this variant is likely to be disruptive. In summary, the available evidence is currently insufficient to determine the role of this variant in disease. Therefore, it has been classified as a Variant of Uncertain Significance.